The following is an entry in ClinVar:

ClinVar aggregate classification (germline): Uncertain significance (1 of 4 stars; one submission).

Submission:

Labcorp Genetics (formerly Invitae), Labcorp
Classification: Uncertain significance. Last evaluated: 2022-02-22. Review status: criteria provided, single submitter. Criteria: Invitae Variant Classification Sherloc (09022015). Collection method: clinical testing. Allele origin: germline.
Comment: In summary, the available evidence is currently insufficient to determine the role of this variant in disease. Therefore, it has been classified as a Variant of Uncertain Significance. Algorithms developed to predict the effect of missense changes on protein structure and function output the following: SIFT: "Deleterious"; PolyPhen-2: "Benign"; Align-GVGD: "Class C65". The glycine amino acid residue is found in multiple mammalian species, which suggests that this missense change does not adversely affect protein function. This sequence change replaces glutamic acid, which is acidic and polar, with glycine, which is neutral and non-polar, at codon 2081 of the NBAS protein (p.Glu2081Gly). This variant is not present in population databases (gnomAD no frequency). This variant has not been reported in the literature in individuals affected with NBAS-related conditions.

NM_015909.4(NBAS):c.6242A>G (p.Glu2081Gly)

Gene: NBAS (NBAS subunit of NRZ tethering complex; minus strand). Cytogenetic location: 2p24.3.
Variant type: single nucleotide variant.
Coding change: c.6242A>G on transcript NM_015909.4 (MANE Select); coding-DNA position 6242, A replaced by G.
Protein change: p.Glu2081Gly; replaces glutamic acid 2081 with glycine.
Molecular consequence: missense variant.
Genome position (GRCh38, 1-based): chr2:15,218,963, T>C on the plus strand (A>G on the coding strand, the complement: NBAS is on the minus strand). VCF-style: chr2-15218963-T-C. GRCh37 (hg19) VCF-style: chr2-15359087-T-C.
Other names: short protein forms E2081G.
Identifiers: ClinVar variation 2099504 (VCV002099504.4), dbSNP rs2528182837, ClinGen allele CA345885179.